The following is an entry in ClinVar:

ClinVar aggregate classification (germline): Benign. Review status: criteria provided, single submitter (1 of 4 stars). 2 submissions from 2 submitters: Benign (1). 1 of the submissions does not count toward it. Last evaluated 2026-01-12.

Conditions:
ERBB4-related disorder. Also called: ERBB4-related condition.

Allele frequency attached by ClinVar (database versions not stated): 1000 Genomes Project 30x 0.00094; 1000 Genomes Project 0.00100; TOPMed 0.00112; ESP Exome Variant Server 0.00154.
gnomAD v4.1: 355 of 1,613,958 alleles (0.022%); highest among the groups gnomAD compares: African/African-American, 0.42%; 2 homozygotes.

Submissions (2):

Labcorp Genetics (formerly Invitae), Labcorp
Classification: Benign. Last evaluated: 2026-01-12. Review status: criteria provided, single submitter. Criteria: Invitae Variant Classification Sherloc (09022015). Collection method: clinical testing. Allele origin: germline.

PreventionGenetics, part of Exact Sciences
Classification: Benign for ERBB4-related condition. Last evaluated: 2020-03-06. Review status: no assertion criteria provided. Collection method: clinical testing. Allele origin: germline. Not counted in ClinVar's aggregate classification.
Comment: This variant is classified as benign based on ACMG/AMP sequence variant interpretation guidelines (Richards et al. 2015 PMID: 25741868, with internal and published modifications).

NM_005235.3(ERBB4):c.63G>A (p.Gln21=)

Gene: ERBB4 (erb-b2 receptor tyrosine kinase 4; minus strand). Cytogenetic location: 2q34.
Variant type: single nucleotide variant.
Coding change: c.63G>A on transcript NM_005235.3 (MANE Select); coding-DNA position 63, G replaced by A.
Protein change: p.Gln21=; no amino-acid change (glutamine 21 retained).
Molecular consequence: synonymous variant.
Genome position (GRCh38, 1-based): chr2:212,538,468, C>T on the plus strand (G>A on the coding strand, the complement: ERBB4 is on the minus strand). VCF-style: chr2-212538468-C-T. GRCh37 (hg19) VCF-style: chr2-213403192-C-T.
Other names: c.63G>A, p.Gln21= (NM_001042599.2).
Identifiers: ClinVar variation 734115 (VCV000734115.11), dbSNP rs2229091, ClinGen allele CA2088614.